The following is an entry in ClinVar:

NM_005816.5(CD96):c.745G>T (p.Val249Phe)

Gene: CD96 (CD96 molecule; plus strand). Cytogenetic location: 3q13.13.
Variant type: single nucleotide variant.
Coding change: c.745G>T on transcript NM_005816.5 (MANE Select); coding-DNA position 745, G replaced by T.
Protein change: p.Val249Phe; replaces valine 249 with phenylalanine.
Molecular consequence: missense variant. On other transcripts: non-coding transcript variant (1).
Genome position (GRCh38, 1-based): chr3:111,579,228, G>T. VCF-style: chr3-111579228-G-T. GRCh37 (hg19) VCF-style: chr3-111298075-G-T.
Other names: c.745G>T, p.Val249Phe (NM_001318889.2, NM_001410800.1); c.793G>T, p.Val265Phe (NM_198196.3); short protein forms V265F, V249F.
Identifiers: ClinVar variation 2021895 (VCV002021895.4), dbSNP rs1017144472, ClinGen allele CA80748885.
Genomic context (GRCh38, chr3:111,579,228, plus strand): 5'-TTCTCTTGCCACATTAGAGTCGGTCCTAACAAAATCTTGAGGAGCTCCACCACAGTCAAG[G>T]TTTTTGGTAAGGGCTTTTGTTCTACAGACTCACTGGCATCCTCCTGTCTCCTGCCCTGCT-3'
Protein context (NP_005807.1, residues 239-259): KILRSSTTVK[Val249Phe]FAKPEIPVIV

ClinVar aggregate classification (germline): Uncertain significance (1 of 4 stars; one submission).

Allele frequency attached by ClinVar (database versions not stated): gnomAD 0.00001.
gnomAD v4.1: 8 of 1,576,874 alleles (0.00051%); highest among the groups gnomAD compares: Non-Finnish European, 0.0007%; no homozygotes.

Submission:

Labcorp Genetics (formerly Invitae), Labcorp
Classification: Uncertain significance. Last evaluated: 2022-08-05. Review status: criteria provided, single submitter. Criteria: Invitae Variant Classification Sherloc (09022015). Collection method: clinical testing. Allele origin: germline.
Comment: Algorithms developed to predict the effect of missense changes on protein structure and function are either unavailable or do not agree on the potential impact of this missense change (SIFT: "Deleterious"; PolyPhen-2: "Probably Damaging"; Align-GVGD: "Class C0"). This variant has not been reported in the literature in individuals affected with CD96-related conditions. In summary, the available evidence is currently insufficient to determine the role of this variant in disease. Therefore, it has been classified as a Variant of Uncertain Significance. This sequence change replaces valine, which is neutral and non-polar, with phenylalanine, which is neutral and non-polar, at codon 265 of the CD96 protein (p.Val265Phe). This variant is not present in population databases (gnomAD no frequency).